The following is an entry in ClinVar:

ClinVar aggregate classification (germline): Conflicting classifications of pathogenicity. Review status: criteria provided, conflicting classifications (1 of 4 stars). 8 submissions from 8 submitters: Pathogenic (3); Likely pathogenic (1); Uncertain significance (4). Last evaluated 2026-09-02.

Conditions:
RYR1-related disorder. Also called: RYR1-related disorders; RYR1-related condition. Identifiers: MedGen CN239331.
Malignant hyperthermia, susceptibility to, 1 (MHS1). Also called: Anesthesia related hyperthermia; Malignant hyperpyrexia; Fulminating hyperpyrexia; Pharmacogenic myopathy; RYR1-Related Malignant Hyperthermia Susceptibility; Malignant hyperthermia suceptibility 1. Identifiers: Orphanet 423, MedGen C2930980, MONDO:0007783, OMIM 145600.
Central core myopathy (CMYO1A). Also called: CONGENITAL MYOPATHY 1A, AUTOSOMAL DOMINANT, WITH SUSCEPTIBILITY TO MALIGNANT HYPERTHERMIA; Central core disease; Myopathy, central fibrillar. Identifiers: Orphanet 597, MedGen C5830701, MONDO:0007294, OMIM 117000.
Fetal akinesia deformation sequence 1 (FADS1). Also called: Pena-Shokeir syndrome type I; Fetal akinesia sequence. Identifiers: Orphanet 994, MedGen C1276035, MONDO:0100101, OMIM 208150, HP:0001989.
Arthrogryposis multiplex congenita (AMC). Also called: Guérin-Stern syndrome; Congenital multiple arthrogryposis; Fibrous ankylosis of multiple joints; Congenital arthromyodysplasia; Myodystrophia fetalis deformans; Otto syndrome. Identifiers: Orphanet 1037, MedGen C5779613, MeSH D001176, MONDO:0015168, HP:0002804.

Allele frequency attached by ClinVar (database versions not stated): TOPMed 0.00001; gnomAD 0.00006.
gnomAD v4.1: 12 of 1,549,462 alleles (0.00077%); highest among the groups gnomAD compares: Non-Finnish European, 0.001%; no homozygotes.

Submissions (8):

GeneDx
Classification: Likely pathogenic. Last evaluated: 2026-09-02. Review status: criteria provided, single submitter. Criteria: GeneDx Variant Classification Process June 2021. Collection method: clinical testing. Allele origin: germline.
Comment: Not observed at significant frequency in large population cohorts (gnomAD); In silico analysis supports that this missense variant has a deleterious effect on protein structure/function; This variant is associated with the following publications: (PMID: 31680123, 22473935, 34740920, 34106991, 12668474)

Labcorp Genetics (formerly Invitae), Labcorp
Classification: Pathogenic for RYR1-related disorder. Last evaluated: 2025-08-31. Review status: criteria provided, single submitter. Criteria: Invitae Variant Classification Sherloc (09022015). Collection method: clinical testing. Allele origin: germline.
Comment: This sequence change replaces cysteine, which is neutral and slightly polar, with tryptophan, which is neutral and slightly polar, at codon 3193 of the RYR1 protein (p.Cys3193Trp). This variant is present in population databases (rs587784379, gnomAD 0.003%). This missense change has been observed in individual(s) with autosomal recessive myopathy (PMID: 22473935, 31680123; internal data). In at least one individual the data is consistent with being in trans (on the opposite chromosome) from a pathogenic variant. ClinVar contains an entry for this variant (Variation ID: 159864). Invitae Evidence Modeling of protein sequence and biophysical properties (such as structural, functional, and spatial information, amino acid conservation, physicochemical variation, residue mobility, and thermodynamic stability) indicates that this missense variant is expected to disrupt RYR1 protein function with a positive predictive value of 80%. For these reasons, this variant has been classified as Pathogenic.

Blueprint Genetics
Classification: Uncertain significance. Last evaluated: 2024-08-29. Review status: criteria provided, single submitter. Criteria: ACMG Guidelines, 2015. Collection method: clinical testing. Allele origin: germline.

All of Us Research Program, National Institutes of Health
Classification: Uncertain significance for Malignant hyperthermia, susceptibility to, 1. Last evaluated: 2024-07-20. Review status: criteria provided, single submitter. Criteria: ACMG Guidelines, 2015. Collection method: clinical testing. Allele origin: germline. Inheritance: Autosomal dominant inheritance. Observed: 6 variant alleles, 6 heterozygotes.
Comment: This missense variant replaces cysteine with tryptophan at codon 3193 of the RYR1 protein. Computational prediction suggests that this variant may have deleterious impact on protein structure and function (internally defined REVEL score threshold >= 0.7, PMID: 27666373). To our knowledge, functional studies have not been reported for this variant. This variant has not been reported in individuals affected with autosomal dominant malignant hyperthermia in the literature, although it is associated with other phenotype(s) (ClinVar variation ID: 159864). This variant has been identified in 2/184968 chromosomes in the general population by the Genome Aggregation Database (gnomAD). Due to insufficient evidence, this variant is classified as a Variant of Uncertain Significance for autosomal dominant malignant hyperthermia.

This study involves interpretation of variants in research participants for the purpose of population health screening. Participant phenotype was not available at the time of variant classification. Additional details can be found in publication PMID: 35346344, PMCID: PMC8962531

CeGaT Center for Human Genetics Tuebingen
Classification: Uncertain significance. Last evaluated: 2023-04-01. Review status: criteria provided, single submitter. Criteria: CeGaT Center For Human Genetics Tuebingen Variant Classification Criteria Version 2. Collection method: clinical testing. Allele origin: germline. Affected: yes. Observed: 2 variant alleles.
Comment: RYR1: PM2, PS4:Moderate

Cirak Lab, University Hospital Cologne
Classification: Pathogenic for Arthrogryposis multiplex congenita; Fetal akinesia sequence. Last evaluated: 2019-06-28. Review status: criteria provided, single submitter. Criteria: ACMG Guidelines, 2015. Collection method: research. Allele origin: paternal. Affected: yes. Observed: 1 variant allele.

Broad Center for Mendelian Genomics, Broad Institute of MIT and Harvard
Classification: Uncertain significance for Central core myopathy. Last evaluated: 2018-12-03. Review status: criteria provided, single submitter. Criteria: ACMG Guidelines, 2015. Collection method: research. Allele origin: germline. Inheritance: Autosomal recessive inheritance. Affected: yes.
Comment: This variant has been identified in 0.01333% (2/15002) of European (non-Finnish) chromosomes by the Genome Aggregation Database (gnomAD; dbSNP rs587784379). Although this variant has been seen in the general population, its frequency is low enough to be consistent with a recessive carrier frequency. Computational prediction tools and conservation analyses suggest that this variant may impact the protein, though this information is not predictive enough to determine pathogenicity. The RYR1 gene has a low rate of benign missense variants, raising the possibility that a change in this gene may not be tolerated. In vitro functional studies provide some evidence that the Cysteine (Cys) residue at position 3193 may undergo a post-translational modification, S-glutathionylation, which could impact protein function. However, these types of assays may not accurately represent biological function. This variant has been reported pathogenic by UChicago in ClinVar (Variation ID: 159864). In summary, while there is some suspicion for a pathogenic role, the clinical significance of this variant is uncertain. ACMG/AMP Criteria applied: PM2, PP2, PP3, PS3_Supporting (Richards 2015).

Genetic Services Laboratory, University of Chicago
Classification: Pathogenic. Last evaluated: 2014-06-03. Review status: criteria provided, single submitter. Criteria: ACMG Guidelines, 2015. Collection method: clinical testing. Allele origin: germline. Inheritance: Autosomal unknown. Affected: yes.

Literature cited by the submitters: PubMed 22473935 (cited by Labcorp Genetics (formerly Invitae), Labcorp); PubMed 31680123 (cited by Labcorp Genetics (formerly Invitae), Labcorp and Cirak Lab, University Hospital Cologne).

NM_000540.3(RYR1):c.9579C>G (p.Cys3193Trp)

Gene: RYR1 (ryanodine receptor 1; plus strand). Cytogenetic location: 19q13.2.
Variant type: single nucleotide variant.
Coding change: c.9579C>G on transcript NM_000540.3 (MANE Select); coding-DNA position 9579, C replaced by G.
Protein change: p.Cys3193Trp; replaces cysteine 3193 with tryptophan.
Molecular consequence: missense variant.
Genome position (GRCh38, 1-based): chr19:38,516,111, C>G. VCF-style: chr19-38516111-C-G. GRCh37 (hg19) VCF-style: chr19-39006751-C-G.
Other names: c.9579C>G, p.Cys3193Trp (NM_001042723.2); short protein forms C3193W.
Identifiers: ClinVar variation 159864 (VCV000159864.56), dbSNP rs587784379, ClinGen allele CA024994.